The following is an entry in ClinVar:

NM_016151.4(TAOK2):c.2546T>C (p.Leu849Pro)

Gene: TAOK2 (TAO kinase 2; plus strand). Cytogenetic location: 16p11.2.
Variant type: single nucleotide variant.
Coding change: c.2546T>C on transcript NM_016151.4 (MANE Select); coding-DNA position 2546, T replaced by C.
Protein change: p.Leu849Pro; replaces leucine 849 with proline.
Molecular consequence: missense variant. On other transcripts: intron variant (2).
Genome position (GRCh38, 1-based): chr16:29,986,818, T>C. VCF-style: chr16-29986818-T-C. GRCh37 (hg19) VCF-style: chr16-29998139-T-C.
Other names: c.2232+314T>C (NM_004783.4); c.2233-26T>C (NM_001252043.2); c.2546T>C (NM_016151.2); short protein forms L849P.
Identifiers: ClinVar variation 3607313 (VCV003607313.3).

ClinVar aggregate classification (germline): Uncertain significance. Review status: criteria provided, multiple submitters, no conflicts (2 of 4 stars). 2 submissions from 2 submitters: Uncertain significance (2). Last evaluated 2025-11-26.

Submissions (2):

Ambry Genetics
Classification: Uncertain significance. Last evaluated: 2025-11-26. Review status: criteria provided, single submitter. Criteria: Ambry Variant Classification Scheme 2023. Collection method: clinical testing. Allele origin: germline.

Labcorp Genetics (formerly Invitae), Labcorp
Classification: Uncertain significance. Last evaluated: 2024-08-21. Review status: criteria provided, single submitter. Criteria: Invitae Variant Classification Sherloc (09022015). Collection method: clinical testing. Allele origin: germline.
Comment: This sequence change replaces leucine, which is neutral and non-polar, with proline, which is neutral and non-polar, at codon 849 of the TAOK2 protein (p.Leu849Pro). This variant is present in population databases (rs759787568, gnomAD 0.0009%). This variant has not been reported in the literature in individuals affected with TAOK2-related conditions. An algorithm developed to predict the effect of missense changes on protein structure and function outputs the following: PolyPhen-2: "Benign". The proline amino acid residue is found in multiple mammalian species, which suggests that this missense change does not adversely affect protein function. In summary, the available evidence is currently insufficient to determine the role of this variant in disease. Therefore, it has been classified as a Variant of Uncertain Significance.